The following is an entry in ClinVar:

NM_000187.4(HGD):c.1118C>T (p.Pro373Leu)

Gene: HGD (homogentisate 1,2-dioxygenase; minus strand). Cytogenetic location: 3q13.33.
Variant type: single nucleotide variant.
Coding change: c.1118C>T on transcript NM_000187.4 (MANE Select); coding-DNA position 1118, C replaced by T.
Protein change: p.Pro373Leu; replaces proline 373 with leucine.
Molecular consequence: missense variant.
Genome position (GRCh38, 1-based): chr3:120,633,217, G>A on the plus strand (C>T on the coding strand, the complement: HGD is on the minus strand). VCF-style: chr3-120633217-G-A. GRCh37 (hg19) VCF-style: chr3-120352064-G-A.
Other names: short protein forms P373L.
Identifiers: ClinVar variation 2499874 (VCV002499874.2), dbSNP rs138558042, ClinGen allele CA81777922.

ClinVar aggregate classification (germline): Likely pathogenic. Review status: criteria provided, single submitter (1 of 4 stars). 2 submissions from 2 submitters: Likely pathogenic (1). 1 of the submissions does not count toward it. Last evaluated 2026-09-14.

Conditions:
Alkaptonuria (AKU). Also called: Alcaptonuria; Homogentisic acidura; Alkaptonuric ochronosis; HOMOGENTISIC ACID OXIDASE DEFICIENCY. Identifiers: Orphanet 56, MedGen C0002066, MONDO:0008753, OMIM 203500.

Allele frequency attached by ClinVar (database versions not stated): gnomAD exomes below 0.00001; gnomAD 0.00001; TOPMed 0.00002; ESP Exome Variant Server 0.00008.
gnomAD v4.1: 3 of 1,613,990 alleles (0.00019%); highest among the groups gnomAD compares: Non-Finnish European, 0.00025%; no homozygotes.

Submissions (2):

GeneDx
Classification: Likely pathogenic. Last evaluated: 2026-09-14. Review status: criteria provided, single submitter. Criteria: GeneDx Variant Classification Process June 2021. Collection method: clinical testing. Allele origin: germline.
Comment: Observed with another HGD variant in an individual with alkaptonuria in published literature, but it is not known whether the variants occurred on the same (in cis) or on different (in trans) chromosomes (PMID: 19862842); Not observed at significant frequency in large population cohorts (gnomAD); In silico analysis supports that this missense variant has a deleterious effect on protein structure/function; This variant is associated with the following publications: (PMID: 19862842)

Department Of Human Genetics, Institute Of Clinical And Translational Research, Biomedical Research Center, Slovak Academy Of Sciences
Classification: Pathogenic for Alkaptonuria. Review status: no assertion criteria provided. Collection method: research. Allele origin: germline. Inheritance: Autosomal recessive inheritance. Affected: yes. Observed: 1 variant allele. Not counted in ClinVar's aggregate classification.
Comment: The variant was originally described in AKU patient in PMID:19862842. It has been submitted to the HGD gene mutation database (DB-ID: AKU_00100).

Literature cited by the submitters: PubMed 19862842 (cited by Department Of Human Genetics, Institute Of Clinical And Translational Research, Biomedical Research Center, Slovak Academy Of Sciences).